The following is an entry in ClinVar:

ClinVar aggregate classification (germline): Uncertain significance (1 of 4 stars; one submission).

Conditions:
Autosomal dominant childhood-onset proximal spinal muscular atrophy with contractures (SMALED2A). Also called: SPINAL MUSCULAR ATROPHY, LOWER EXTREMITY-PREDOMINANT, 2A, CHILDHOOD ONSET, AUTOSOMAL DOMINANT; Spinal muscular atrophy, lower extremity-predominant, 2A, autosomal dominant. Identifiers: Orphanet 363447, Orphanet 363454, MedGen C4747715, MONDO:0014121, OMIM 615290.

gnomAD v4.1: 8 of 1,604,036 alleles (0.0005%); highest among the groups gnomAD compares: Non-Finnish European, 0.00068%; no homozygotes.

Submission:

Labcorp Genetics (formerly Invitae), Labcorp
Classification: Uncertain significance for Autosomal dominant childhood-onset proximal spinal muscular atrophy with contractures. Last evaluated: 2023-11-17. Review status: criteria provided, single submitter. Criteria: Invitae Variant Classification Sherloc (09022015). Collection method: clinical testing. Allele origin: germline.
Comment: This sequence change replaces arginine, which is basic and polar, with glycine, which is neutral and non-polar, at codon 578 of the BICD2 protein (p.Arg578Gly). This variant is present in population databases (rs541558181, gnomAD 0.003%). This variant has not been reported in the literature in individuals affected with BICD2-related conditions. Advanced modeling of protein sequence and biophysical properties (such as structural, functional, and spatial information, amino acid conservation, physicochemical variation, residue mobility, and thermodynamic stability) performed at Invitae indicates that this missense variant is not expected to disrupt BICD2 protein function with a negative predictive value of 80%. In summary, the available evidence is currently insufficient to determine the role of this variant in disease. Therefore, it has been classified as a Variant of Uncertain Significance.

NM_001003800.2(BICD2):c.1732C>G (p.Arg578Gly)

Gene: BICD2 (BICD cargo adaptor 2; minus strand). Cytogenetic location: 9q22.31.
Variant type: single nucleotide variant.
Coding change: c.1732C>G on transcript NM_001003800.2 (MANE Select); coding-DNA position 1732, C replaced by G.
Protein change: p.Arg578Gly; replaces arginine 578 with glycine.
Molecular consequence: missense variant.
Genome position (GRCh38, 1-based): chr9:92,718,913, G>C on the plus strand (C>G on the coding strand, the complement: BICD2 is on the minus strand). VCF-style: chr9-92718913-G-C. GRCh37 (hg19) VCF-style: chr9-95481195-G-C.
Other names: c.1732C>G, p.Arg578Gly (NM_015250.4); short protein forms R578G.
Identifiers: ClinVar variation 2913564 (VCV002913564.3), dbSNP rs541558181, ClinGen allele CA5126494.